The following is an entry in ClinVar:

ClinVar aggregate classification (germline): Uncertain significance (1 of 4 stars; one submission).

Submission:

Labcorp Genetics (formerly Invitae), Labcorp
Classification: Uncertain significance. Last evaluated: 2024-03-19. Review status: criteria provided, single submitter. Criteria: Invitae Variant Classification Sherloc (09022015). Collection method: clinical testing. Allele origin: germline.
Comment: This sequence change replaces tyrosine, which is neutral and polar, with histidine, which is basic and polar, at codon 94 of the MS4A1 protein (p.Tyr94His). This variant is not present in population databases (gnomAD no frequency). This variant has not been reported in the literature in individuals affected with MS4A1-related conditions. An algorithm developed to predict the effect of missense changes on protein structure and function (PolyPhen-2) suggests that this variant is likely to be tolerated. In summary, the available evidence is currently insufficient to determine the role of this variant in disease. Therefore, it has been classified as a Variant of Uncertain Significance.

NM_152866.3(MS4A1):c.280T>C (p.Tyr94His)

Gene: MS4A1 (membrane spanning 4-domains A1; plus strand). Cytogenetic location: 11q12.2.
Variant type: single nucleotide variant.
Coding change: c.280T>C on transcript NM_152866.3 (MANE Select); coding-DNA position 280, T replaced by C.
Protein change: p.Tyr94His; replaces tyrosine 94 with histidine.
Molecular consequence: missense variant.
Genome position (GRCh38, 1-based): chr11:60,464,288, T>C. VCF-style: chr11-60464288-T-C. GRCh37 (hg19) VCF-style: chr11-60231761-T-C.
Other names: c.280T>C, p.Tyr94His (NM_021950.4, NM_152867.2); short protein forms Y94H.
Identifiers: ClinVar variation 3713190 (VCV003713190.2).